The following is an entry in ClinVar:

ClinVar aggregate classification (germline): Uncertain significance (1 of 4 stars; one submission).

Conditions:
Hereditary cancer-predisposing syndrome. Also called: Neoplastic Syndromes, Hereditary; Tumor predisposition; Hereditary neoplastic syndrome; Hereditary Cancer Syndrome. Identifiers: Orphanet 140162, MedGen C0027672, MeSH D009386, MONDO:0015356.

Submission:

Ambry Genetics
Classification: Uncertain significance for Hereditary cancer-predisposing syndrome. Last evaluated: 2026-07-06. Review status: criteria provided, single submitter. Criteria: Ambry Variant Classification Scheme 2023. Collection method: clinical testing. Allele origin: germline.
Comment: The p.R527I variant (also known as c.1580G>T), located in coding exon 11 of the CDH1 gene, results from a G to T substitution at nucleotide position 1580. The arginine at codon 527 is replaced by isoleucine, an amino acid with similar properties. This amino acid position is conserved. In addition, this alteration is predicted to be tolerated by in silico analysis. Based on the available evidence, the clinical significance of this variant remains unclear.

NM_004360.5(CDH1):c.1580G>T (p.Arg527Ile)

Gene: CDH1 (cadherin 1; plus strand). Cytogenetic location: 16q22.1.
Variant type: single nucleotide variant.
Coding change: c.1580G>T on transcript NM_004360.5 (MANE Select); coding-DNA position 1580, G replaced by T.
Protein change: p.Arg527Ile; replaces arginine 527 with isoleucine.
Molecular consequence: missense variant. On other transcripts: intron variant (1).
Genome position (GRCh38, 1-based): chr16:68,819,294, G>T. VCF-style: chr16-68819294-G-T. GRCh37 (hg19) VCF-style: chr16-68853197-G-T.
Other names: c.32G>T, p.Arg11Ile (NM_001317185.2); c.-254-2707G>T (NM_001317186.2); c.1397G>T, p.Arg466Ile (NM_001317184.2); short protein forms R527I, R466I, R11I.
Identifiers: ClinVar variation 5033907 (VCV005033907.1).